The following is an entry in ClinVar:

ClinVar aggregate classification (germline): Uncertain significance (1 of 4 stars; one submission).

Submission:

Labcorp Genetics (formerly Invitae), Labcorp
Classification: Uncertain significance. Last evaluated: 2021-09-24. Review status: criteria provided, single submitter. Criteria: Invitae Variant Classification Sherloc (09022015). Collection method: clinical testing. Allele origin: germline.
Comment: In summary, the available evidence is currently insufficient to determine the role of this variant in disease. Therefore, it has been classified as a Variant of Uncertain Significance. Experimental studies and prediction algorithms are not available or were not evaluated, and the functional significance of this variant is currently unknown. This variant has not been reported in the literature in individuals affected with KMT2A-related conditions. This variant is not present in population databases (ExAC no frequency). This variant, c.5560_5562dup, results in the insertion of 1 amino acid(s) to the KMT2A protein (p.Thr1854dup), but otherwise preserves the integrity of the reading frame.

NM_001197104.2(KMT2A):c.5560_5562dup (p.Thr1854dup)

Gene: KMT2A (lysine methyltransferase 2A; plus strand). Cytogenetic location: 11q23.3.
Variant type: Duplication.
Coding change: c.5560_5562dup on transcript NM_001197104.2 (MANE Select); coding-DNA positions 5560 to 5562, 3 bases duplicated (ACT; older notation c.5560_5562dupACT).
Protein change: p.Thr1854dup; duplicates threonine 1854.
Molecular consequence: inframe insertion.
Genome position (GRCh38, 1-based): chr11:118,496,263-118,496,265, ACT duplicated; duplicating any 3 consecutive bases within chr11:118,496,262-118,496,265 gives the same sequence; the c. name uses the placement nearest the transcript's 3' end. VCF-style (leftmost placement, unchanged base first): chr11-118496261-G-GTAC. GRCh37 (hg19) VCF-style: chr11-118366976-G-GTAC.
Other names: c.5551_5553dup, p.Thr1851dup (NM_005933.4).
Identifiers: ClinVar variation 1383020 (VCV001383020.6), dbSNP rs2134356953, ClinGen allele CA2573147033.